The following is an entry in ClinVar:

ClinVar aggregate classification (germline): Uncertain significance (1 of 4 stars; one submission).

Allele frequency attached by ClinVar (database versions not stated): gnomAD exomes below 0.00001; TOPMed below 0.00001; ExAC 0.00001; gnomAD 0.00001.
gnomAD v4.1: 2 of 1,613,992 alleles (0.00012%); highest among the groups gnomAD compares: African/African-American, 0.0027%; no homozygotes.

Submission:

Labcorp Genetics (formerly Invitae), Labcorp
Classification: Uncertain significance. Last evaluated: 2022-05-12. Review status: criteria provided, single submitter. Criteria: Invitae Variant Classification Sherloc (09022015). Collection method: clinical testing. Allele origin: germline.
Comment: Algorithms developed to predict the effect of sequence changes on RNA splicing suggest that this variant may create or strengthen a splice site. This variant has not been reported in the literature in individuals affected with MYH3-related conditions. This variant is present in population databases (rs768195566, gnomAD 0.007%). This sequence change falls in intron 31 of the MYH3 gene. It does not directly change the encoded amino acid sequence of the MYH3 protein. In summary, the available evidence is currently insufficient to determine the role of this variant in disease. Therefore, it has been classified as a Variant of Uncertain Significance.

NM_002470.4(MYH3):c.4356+8G>T

Gene: MYH3 (myosin heavy chain 3; minus strand). Cytogenetic location: 17p13.1.
Variant type: single nucleotide variant.
Coding change: c.4356+8G>T on transcript NM_002470.4 (MANE Select); 8 bases into the intron after coding-DNA position 4356, G replaced by T.
Molecular consequence: intron variant.
Genome position (GRCh38, 1-based): chr17:10,634,832, C>A on the plus strand (G>T on the coding strand, the complement: MYH3 is on the minus strand). VCF-style: chr17-10634832-C-A. GRCh37 (hg19) VCF-style: chr17-10538149-C-A.
Identifiers: ClinVar variation 2133755 (VCV002133755.4), dbSNP rs768195566, ClinGen allele CA8392266.